The following is an entry in ClinVar:

ClinVar aggregate classification (germline): Uncertain significance (1 of 4 stars; one submission).

Submission:

Dasa
Classification: Uncertain significance. Last evaluated: 2025-09-02. Review status: criteria provided, single submitter. Criteria: DASA Assertion Criteria. Collection method: clinical testing. Allele origin: germline.
Comment: NM_000747.3(CHRNB1):c.428C>T (p.Pro143Leu) is a missense variant that results in the substitution of proline with leucine. This variant is absent from population databases. Computational prediction algorithms are consistent with a deleterious effect. The currently available literature and clinical evidence are not sufficient to establish a definitive association between this variant and the reported condition. Therefore, this variant is classified as a variant of uncertain significance.

NM_000747.3(CHRNB1):c.428C>T (p.Pro143Leu)

Gene: CHRNB1 (cholinergic receptor nicotinic beta 1 subunit; plus strand). Cytogenetic location: 17p13.1.
Variant type: single nucleotide variant.
Coding change: c.428C>T on transcript NM_000747.3 (MANE Select); coding-DNA position 428, C replaced by T.
Protein change: p.Pro143Leu; replaces proline 143 with leucine.
Molecular consequence: missense variant.
Genome position (GRCh38, 1-based): chr17:7,447,117, C>T. VCF-style: chr17-7447117-C-T. GRCh37 (hg19) VCF-style: chr17-7350436-C-T.
Other names: short protein forms P143L.
Identifiers: ClinVar variation 4883440 (VCV004883440.2).